The following is an entry in ClinVar:

NM_021971.4(GMPPB):c.221G>C (p.Arg74Pro)

Genes: GMPPB (GDP-mannose pyrophosphorylase B; minus strand), LOC129936764 (ATAC-STARR-seq lymphoblastoid active region 19874; plus strand). Cytogenetic location: 3p21.31.
Variant type: single nucleotide variant.
Coding change: c.221G>C on transcript NM_021971.4 (MANE Select); coding-DNA position 221, G replaced by C.
Protein change: p.Arg74Pro; replaces arginine 74 with proline.
Molecular consequence: missense variant.
Genome position (GRCh38, 1-based): chr3:49,723,292, C>G on the plus strand (G>C on the coding strand, the complement: GMPPB is on the minus strand). VCF-style: chr3-49723292-C-G. GRCh37 (hg19) VCF-style: chr3-49760725-C-G.
Other names: c.221G>C, p.Arg74Pro (NM_013334.4); short protein forms R74P.
Identifiers: ClinVar variation 2943156 (VCV002943156.3), dbSNP rs1231333069, ClinGen allele CA352830252.

ClinVar aggregate classification (germline): Uncertain significance (1 of 4 stars; one submission).

Conditions:
Autosomal recessive limb-girdle muscular dystrophy type 2T. Also called: Limb-girdle muscular dystrophy-dystroglycanopathy, type C14; MUSCULAR DYSTROPHY-DYSTROGLYCANOPATHY, LIMB-GIRDLE, GMPPB-RELATED; MUSCULAR DYSTROPHY, LIMB-GIRDLE, TYPE 2T; Muscular dystrophy-dystroglycanopathy (limb-girdle), type c, 14. Identifiers: Orphanet 363623, MedGen C4518000, MONDO:0014142, OMIM 615352.
Muscular dystrophy-dystroglycanopathy (congenital with impaired intellectual development), type B, 14. Also called: Congenital muscular dystrophy-dystroglycanopathy with mental retardation, type B14; MUSCULAR DYSTROPHY, CONGENITAL, GMPPB-RELATED; Muscular dystrophy-dystroglycanopathy (congenital with intellectual disability), type B14. Identifiers: MedGen C3809221, MONDO:0014141, OMIM 615351.
Muscular dystrophy-dystroglycanopathy (congenital with brain and eye anomalies), type A14. Also called: Congenital Muscular Dystrophy-Dystroglycanopathy with Brain and Eye Anomalies Type A 14; Congenital muscular dystrophy-dystroglycanopathy with brain and eye anomalies, type A14; WALKER-WARBURG SYNDROME OR MUSCLE-EYE-BRAIN DISEASE, GMPPB-RELATED; Muscular dystrophy-dystroglycanopathy (congenital with brain and eye anomalies), type a, 14. Identifiers: Orphanet 588, MedGen C3809216, MONDO:0014140, OMIM 615350.

Allele frequency attached by ClinVar (database versions not stated): gnomAD 0.00001.
gnomAD v4.1: 2 of 1,614,058 alleles (0.00012%); highest among the groups gnomAD compares: African/African-American, 0.0027%; no homozygotes.

Submission:

Labcorp Genetics (formerly Invitae), Labcorp
Classification: Uncertain significance for Autosomal recessive limb-girdle muscular dystrophy type 2T; Muscular dystrophy-dystroglycanopathy (congenital with brain and eye anomalies), type A14; Muscular dystrophy-dystroglycanopathy (congenital with impaired intellectual development), type B, 14. Last evaluated: 2023-01-13. Review status: criteria provided, single submitter. Criteria: Invitae Variant Classification Sherloc (09022015). Collection method: clinical testing. Allele origin: germline.
Comment: This sequence change replaces arginine, which is basic and polar, with proline, which is neutral and non-polar, at codon 74 of the GMPPB protein (p.Arg74Pro). This variant is not present in population databases (gnomAD no frequency). This variant has not been reported in the literature in individuals affected with GMPPB-related conditions. Advanced modeling of protein sequence and biophysical properties (such as structural, functional, and spatial information, amino acid conservation, physicochemical variation, residue mobility, and thermodynamic stability) performed at Invitae indicates that this missense variant is not expected to disrupt GMPPB protein function. Algorithms developed to predict the effect of sequence changes on RNA splicing suggest that this variant may disrupt the consensus splice site. In summary, the available evidence is currently insufficient to determine the role of this variant in disease. Therefore, it has been classified as a Variant of Uncertain Significance.